The following is an entry in ClinVar:

NM_006946.4(SPTBN2):c.5565+5G>C

Gene: SPTBN2 (spectrin beta, non-erythrocytic 2; minus strand). Cytogenetic location: 11q13.2.
Variant type: single nucleotide variant.
Coding change: c.5565+5G>C on transcript NM_006946.4 (MANE Select); 5 bases into the intron after coding-DNA position 5565, G replaced by C.
Molecular consequence: intron variant.
Genome position (GRCh38, 1-based): chr11:66,691,279, C>G on the plus strand (G>C on the coding strand, the complement: SPTBN2 is on the minus strand). VCF-style: chr11-66691279-C-G. GRCh37 (hg19) VCF-style: chr11-66458750-C-G.
Other names: c.5586+5G>C (NM_001411025.1).
Identifiers: ClinVar variation 2684351 (VCV002684351.2), dbSNP rs2495888464, ClinGen allele CA2697548742.
Genomic context (GRCh38, chr11:66,691,279, plus strand): 5'-TCTCCCCGGCATTTCCCCCATGGCCTCCTCTAAGCCTCCCCCACCTCCTCATGCTTGGGT[C>G]AGACCTGGGGGCTGAGGGCCTGAATGTCATGCTCGTAGGCACAGTGTCGGCGCTGCAGGG-3'

ClinVar aggregate classification (germline): Uncertain significance. Review status: criteria provided, multiple submitters, no conflicts (2 of 4 stars). 2 submissions from 2 submitters: Uncertain significance (2). Last evaluated 2024-01-12.

Conditions:
Inborn genetic diseases. Identifiers: MedGen C0950123, MeSH D030342.

Submissions (2):

Ambry Genetics
Classification: Uncertain significance for Inborn genetic diseases. Last evaluated: 2024-01-12. Review status: criteria provided, single submitter. Criteria: Ambry Variant Classification Scheme 2023. Collection method: clinical testing. Allele origin: germline.
Comment: The c.5565+5G>C intronic alteration results from a G to C substitution 5 nucleotides after coding exon 25 of the SPTBN2 gene. This variant was not reported in population-based cohorts in the Genome Aggregation Database (gnomAD). This nucleotide position is well conserved in available vertebrate species. In silico splice site analysis predicts that this alteration will result in the creation or strengthening of a novel splice donor site. Based on insufficient or conflicting evidence, the clinical significance of this alteration remains unclear.

Athena Diagnostics
Classification: Uncertain significance. Last evaluated: 2023-07-21. Review status: criteria provided, single submitter. Criteria: Athena Diagnostics Criteria. Collection method: clinical testing. Allele origin: unknown.
Comment: Available data are insufficient to determine the clinical significance of the variant at this time. This variant has not been reported in large, multi-ethnic general populations. Computational tools yielded predictions that this variant may interfere with normal RNA splicing.